The following is an entry in ClinVar:

NM_000179.3(MSH6):c.345dup (p.Asp116Ter)

Gene: MSH6 (mutS homolog 6; plus strand). Cytogenetic location: 2p16.3.
Variant type: Duplication.
Coding change: c.345dup on transcript NM_000179.3 (MANE Select); coding-DNA position 345, one base duplicated (T; older notation c.345dupT).
Protein change: p.Asp116Ter; replaces aspartic acid 116 with a stop codon.
Molecular consequence: nonsense. On other transcripts: 5 prime UTR variant (7), non-coding transcript variant (5), intron variant (6).
Genome position (GRCh38, 1-based): chr2:47,791,011, T duplicated; the last of 3 consecutive T bases (chr2:47,791,009-47,791,011); duplicating any one gives the same sequence. VCF-style (leftmost placement, unchanged base first): chr2-47791008-C-CT. GRCh37 (hg19) VCF-style: chr2-48018147-C-CT.
Other names: c.-392dup (NM_001281493.2, NM_001406811.1, NM_001406823.1 and 1 more transcripts); c.-558dup (NM_001281494.2); c.441dup, p.Asp148Ter (NM_001406795.1, NM_001406802.1); c.345dup, p.Asp116Ter (NM_001406796.1, NM_001406798.1, NM_001406800.1 and 6 more transcripts); c.48dup, p.Asp17Ter (NM_001406797.1, NM_001406801.1, NM_001406805.1 and 10 more transcripts); c.267dup, p.Asp90Ter (NM_001406804.1); c.-584dup (NM_001406807.1); c.-650dup (NM_001406814.1); and 6 more; short protein forms D148*, D60*, D116*, D17*, D90*.
Identifiers: ClinVar variation 4722010 (VCV004722010.1).

ClinVar aggregate classification (germline): Pathogenic (1 of 4 stars; one submission).

Conditions:
Hereditary nonpolyposis colorectal neoplasms. Identifiers: MedGen C0009405, MeSH D003123.

Submission:

Labcorp Genetics (formerly Invitae), Labcorp
Classification: Pathogenic for Hereditary nonpolyposis colorectal neoplasms. Last evaluated: 2025-06-24. Review status: criteria provided, single submitter. Criteria: Invitae Variant Classification Sherloc (09022015). Collection method: clinical testing. Allele origin: germline.
Comment: This sequence change creates a premature translational stop signal (p.Asp116*) in the MSH6 gene. It is expected to result in an absent or disrupted protein product. Loss-of-function variants in MSH6 are known to be pathogenic (PMID: 18269114, 24362816). This variant is not present in population databases (gnomAD no frequency). This variant has not been reported in the literature in individuals affected with MSH6-related conditions. For these reasons, this variant has been classified as Pathogenic.

Literature cited by the submitters: PubMed 18269114; PubMed 24362816.